The following is an entry in ClinVar:

NM_020738.4(KIDINS220):c.900+5G>A

Gene: KIDINS220 (kinase D interacting substrate 220; minus strand). Cytogenetic location: 2p25.1.
Variant type: single nucleotide variant.
Coding change: c.900+5G>A on transcript NM_020738.4 (MANE Select); 5 bases into the intron after coding-DNA position 900, G replaced by A.
Molecular consequence: intron variant.
Genome position (GRCh38, 1-based): chr2:8,800,395, C>T on the plus strand (G>A on the coding strand, the complement: KIDINS220 is on the minus strand). VCF-style: chr2-8800395-C-T. GRCh37 (hg19) VCF-style: chr2-8940525-C-T.
Other names: c.900+5G>A (NM_001348741.2, NM_001348738.2, NM_001348742.2 and 3 more transcripts); c.903+5G>A (NM_001348739.2, NM_001348740.2, NM_001348734.2 and 3 more transcripts); c.774+5G>A (NM_001348736.2).
Identifiers: ClinVar variation 931552 (VCV000931552.3), dbSNP rs772773265, ClinGen allele CA530489703.

ClinVar aggregate classification (germline): Uncertain significance (1 of 4 stars; one submission).

Conditions:
Spastic paraplegia, intellectual disability, nystagmus, and obesity. Also called: Spastic paraplegia, intellectual disability, nystagmus, and obesity;. Identifiers: Orphanet 521390, MedGen C4284592, MONDO:0015007, OMIM 617296.

Submission:

Centre for Mendelian Genomics, University Medical Centre Ljubljana
Classification: Uncertain significance for Spastic paraplegia, intellectual disability, nystagmus, and obesity. Last evaluated: 2019-06-10. Review status: criteria provided, single submitter. Criteria: ACMG Guidelines, 2015. Collection method: clinical testing. Allele origin: unknown. Affected: yes.
Comment: This variant was classified as: Uncertain significance. The available evidence on this variant's pathogenicity is insufficient or conflicting. The following ACMG criteria were applied in classifying this variant: PM2,PP3.